The following is an entry in ClinVar:

NM_000540.3(RYR1):c.10804G>A (p.Val3602Met)

Gene: RYR1 (ryanodine receptor 1; plus strand). Cytogenetic location: 19q13.2.
Variant type: single nucleotide variant.
Coding change: c.10804G>A on transcript NM_000540.3 (MANE Select); coding-DNA position 10804, G replaced by A.
Protein change: p.Val3602Met; replaces valine 3602 with methionine.
Molecular consequence: missense variant.
Genome position (GRCh38, 1-based): chr19:38,527,764, G>A. VCF-style: chr19-38527764-G-A. GRCh37 (hg19) VCF-style: chr19-39018404-G-A.
Other names: c.10789G>A, p.Val3597Met (NM_001042723.2); short protein forms V3597M, V3602M.
Identifiers: ClinVar variation 2146835 (VCV002146835.4), dbSNP rs1971534694, ClinGen allele CA405647369.

ClinVar aggregate classification (germline): Uncertain significance (1 of 4 stars; one submission).

Conditions:
RYR1-related disorder. Also called: RYR1-related condition; RYR1-related disorders. Identifiers: MedGen CN239331.

gnomAD v4.1: 3 of 1,614,024 alleles (0.00019%); highest among the groups gnomAD compares: East Asian, 0.0022%; no homozygotes.

Submission:

Labcorp Genetics (formerly Invitae), Labcorp
Classification: Uncertain significance for RYR1-related disorder. Last evaluated: 2021-12-21. Review status: criteria provided, single submitter. Criteria: Invitae Variant Classification Sherloc (09022015). Collection method: clinical testing. Allele origin: germline.
Comment: Advanced modeling of protein sequence and biophysical properties (such as structural, functional, and spatial information, amino acid conservation, physicochemical variation, residue mobility, and thermodynamic stability) performed at Invitae indicates that this missense variant is expected to disrupt RYR1 protein function. This variant has not been reported in the literature in individuals affected with RYR1-related conditions. This variant is not present in population databases (gnomAD no frequency). This sequence change replaces valine, which is neutral and non-polar, with methionine, which is neutral and non-polar, at codon 3602 of the RYR1 protein (p.Val3602Met). In summary, the available evidence is currently insufficient to determine the role of this variant in disease. Therefore, it has been classified as a Variant of Uncertain Significance.